The following is an entry in ClinVar:

ClinVar aggregate classification (germline): Uncertain significance (1 of 4 stars; one submission).

Conditions:
Autosomal dominant nocturnal frontal lobe epilepsy 5. Also called: Epilepsy, nocturnal frontal lobe, 5; CILIARY DYSKINESIA, PRIMARY, 28, WITHOUT SITUS INVERSUS; CILIARY DYSKINESIA, PRIMARY, 28, WITH SITUS INVERSUS; KCNT1-Related Epilepsy. Identifiers: Orphanet 98784, MedGen C3554306, MONDO:0014002, OMIM 615005.
Developmental and epileptic encephalopathy, 14 (DEE14). Also called: Early infantile epileptic encephalopathy 14. Identifiers: Orphanet 293181, MedGen C3554195, MONDO:0013989, OMIM 614959.

Submission:

Labcorp Genetics (formerly Invitae), Labcorp
Classification: Uncertain significance for Autosomal dominant nocturnal frontal lobe epilepsy 5; Developmental and epileptic encephalopathy, 14. Last evaluated: 2023-11-24. Review status: criteria provided, single submitter. Criteria: Invitae Variant Classification Sherloc (09022015). Collection method: clinical testing. Allele origin: germline.
Comment: This sequence change falls in intron 25 of the KCNT1 gene. It does not directly change the encoded amino acid sequence of the KCNT1 protein. This variant is not present in population databases (gnomAD no frequency). This variant has not been reported in the literature in individuals affected with KCNT1-related conditions. Experimental studies and prediction algorithms are not available or were not evaluated, and the effect of this variant on mRNA splicing is currently unknown. In summary, the available evidence is currently insufficient to determine the role of this variant in disease. Therefore, it has been classified as a Variant of Uncertain Significance.

NM_020822.3(KCNT1):c.2944-21_2944-6del

Gene: KCNT1 (potassium sodium-activated channel subfamily T member 1; plus strand). Cytogenetic location: 9q34.3.
Variant type: Deletion.
Coding change: c.2944-21_2944-6del on transcript NM_020822.3 (MANE Select); 21 bases into the intron before coding-DNA position 2944 through 6 bases into the intron before coding-DNA position 2944, 16 bases deleted (CCTCCCTCCCTCCCTG).
Molecular consequence: intron variant.
Genome position (GRCh38, 1-based): chr9:135,784,514-135,784,529, CCTCCCTCCCTCCCTG deleted. VCF-style (leftmost placement, unchanged base first): chr9-135784513-CCCTCCCTCCCTCCCTG-C. GRCh37 (hg19) VCF-style: chr9-138676359-CCCTCCCTCCCTCCCTG-C.
Other names: c.2809-21_2809-6del (NM_001272003.2).
Identifiers: ClinVar variation 2933298 (VCV002933298.3), dbSNP rs2491084076, ClinGen allele CA2740092947.